The following is an entry in ClinVar:

ClinVar aggregate classification (germline): Benign/Likely benign. Review status: criteria provided, multiple submitters, no conflicts (2 of 4 stars). 4 submissions from 4 submitters: Benign (1); Likely benign (3). Last evaluated 2026-05-15.

Conditions:
Hereditary cancer-predisposing syndrome. Also called: Tumor predisposition; Hereditary neoplastic syndrome; Neoplastic Syndromes, Hereditary; Hereditary Cancer Syndrome. Identifiers: Orphanet 140162, MedGen C0027672, MeSH D009386, MONDO:0015356.
Neurofibromatosis, type 1 (NF1). Also called: Neurofibromatosis, type I; NEUROFIBROMATOSIS, TYPE I, SOMATIC; VON RECKLINGHAUSEN DISEASE; Peripheral type neurofibromatosis. Identifiers: Orphanet 636, MedGen C0027831, MONDO:0018975, OMIM 162200. Disease mechanism: loss of function.

Allele frequency attached by ClinVar (database versions not stated): gnomAD exomes 0.00001 and 0.00002; gnomAD 0.00001; ExAC 0.00001; TOPMed 0.00002.
gnomAD v4.1: 28 of 1,613,890 alleles (0.0017%); highest among the groups gnomAD compares: Non-Finnish European, 0.0024%; no homozygotes.

Submissions (4):

Myriad Genetics, Inc.
Classification: Benign for Neurofibromatosis, type 1. Last evaluated: 2026-05-15. Review status: criteria provided, single submitter. Criteria: Myriad Autosomal Dominant, Autosomal Recessive and X-Linked Classification Criteria (2023). Collection method: clinical testing. Allele origin: unknown.
Comment: This variant is considered benign. This variant is a silent/synonymous amino acid change and it is not expected to impact splicing.

Labcorp Genetics (formerly Invitae), Labcorp
Classification: Likely benign for Neurofibromatosis, type 1. Last evaluated: 2026-01-21. Review status: criteria provided, single submitter. Criteria: Invitae Variant Classification Sherloc (09022015). Collection method: clinical testing. Allele origin: germline.

Genome-Nilou Lab
Classification: Likely benign for Neurofibromatosis, type 1. Last evaluated: 2022-03-15. Review status: criteria provided, single submitter. Criteria: ACMG Guidelines, 2015. Collection method: clinical testing. Allele origin: germline. Affected: no.

Ambry Genetics
Classification: Likely benign for Hereditary cancer-predisposing syndrome. Last evaluated: 2014-09-09. Review status: criteria provided, single submitter. Criteria: Ambry Autosomal Dominant and X-Linked criteria (10/2015). Collection method: clinical testing. Allele origin: germline. Observed: 1 variant allele.

NM_001042492.3(NF1):c.1089A>G (p.Pro363=)

Gene: NF1 (neurofibromin 1; plus strand). Cytogenetic location: 17q11.2.
Variant type: single nucleotide variant.
Coding change: c.1089A>G on transcript NM_001042492.3 (MANE Select); coding-DNA position 1089, A replaced by G.
Protein change: p.Pro363=; no amino-acid change (proline 363 retained).
Molecular consequence: synonymous variant.
Genome position (GRCh38, 1-based): chr17:31,201,063, A>G. VCF-style: chr17-31201063-A-G. GRCh37 (hg19) VCF-style: chr17-29528081-A-G.
Other names: c.1089A>G, p.Pro363= (NM_001128147.3, NM_000267.4).
Identifiers: ClinVar variation 186131 (VCV000186131.14), dbSNP rs757508086, ClinGen allele CA193939.